The following is an entry in ClinVar:

NM_001080512.3(BICC1):c.1385C>A (p.Thr462Asn)

Gene: BICC1 (BicC family RNA binding protein 1; plus strand). Cytogenetic location: 10q21.1.
Variant type: single nucleotide variant.
Coding change: c.1385C>A on transcript NM_001080512.3 (MANE Select); coding-DNA position 1385, C replaced by A.
Protein change: p.Thr462Asn; replaces threonine 462 with asparagine.
Molecular consequence: missense variant.
Genome position (GRCh38, 1-based): chr10:58,798,417, C>A. VCF-style: chr10-58798417-C-A. GRCh37 (hg19) VCF-style: chr10-60558177-C-A.
Other names: short protein forms T462N.
Identifiers: ClinVar variation 4704940 (VCV004704940.1).

ClinVar aggregate classification (germline): Uncertain significance (1 of 4 stars; one submission).

gnomAD v4.1: 5 of 1,594,854 alleles (0.00031%); highest among the groups gnomAD compares: African/African-American, 0.0027%; no homozygotes.

Submission:

Labcorp Genetics (formerly Invitae), Labcorp
Classification: Uncertain significance. Last evaluated: 2025-12-03. Review status: criteria provided, single submitter. Criteria: Invitae Variant Classification Sherloc (09022015). Collection method: clinical testing. Allele origin: germline.
Comment: This sequence change replaces threonine, which is neutral and polar, with asparagine, which is neutral and polar, at codon 462 of the BICC1 protein (p.Thr462Asn). This variant is not present in population databases (gnomAD no frequency). This variant has not been reported in the literature in individuals affected with BICC1-related conditions. An algorithm developed to predict the effect of missense changes on protein structure and function (PolyPhen-2) suggests that this variant is likely to be tolerated. In summary, the available evidence is currently insufficient to determine the role of this variant in disease. Therefore, it has been classified as a Variant of Uncertain Significance.